The following is an entry in ClinVar:

NM_004064.5(CDKN1B):c.361G>C (p.Ala121Pro)

Gene: CDKN1B (cyclin dependent kinase inhibitor 1B; plus strand). Cytogenetic location: 12p13.1.
Variant type: single nucleotide variant.
Coding change: c.361G>C on transcript NM_004064.5 (MANE Select); coding-DNA position 361, G replaced by C.
Protein change: p.Ala121Pro; replaces alanine 121 with proline.
Molecular consequence: missense variant.
Genome position (GRCh38, 1-based): chr12:12,718,200, G>C. VCF-style: chr12-12718200-G-C. GRCh37 (hg19) VCF-style: chr12-12871134-G-C.
Other names: short protein forms A121P.
Identifiers: ClinVar variation 2716663 (VCV002716663.3), dbSNP rs1060500192, ClinGen allele CA383970408.

ClinVar aggregate classification (germline): Uncertain significance (1 of 4 stars; one submission).

Conditions:
Multiple endocrine neoplasia type 4. Also called: MULTIPLE ENDOCRINE NEOPLASIA, TYPE IV. Identifiers: Orphanet 276152, MedGen C1970712, MONDO:0012552, OMIM 610755.

Submission:

Labcorp Genetics (formerly Invitae), Labcorp
Classification: Uncertain significance for Multiple endocrine neoplasia type 4. Last evaluated: 2023-05-25. Review status: criteria provided, single submitter. Criteria: Invitae Variant Classification Sherloc (09022015). Collection method: clinical testing. Allele origin: germline.
Comment: This sequence change replaces alanine, which is neutral and non-polar, with proline, which is neutral and non-polar, at codon 121 of the CDKN1B protein (p.Ala121Pro). This variant is not present in population databases (gnomAD no frequency). In summary, the available evidence is currently insufficient to determine the role of this variant in disease. Therefore, it has been classified as a Variant of Uncertain Significance. Algorithms developed to predict the effect of missense changes on protein structure and function output the following: SIFT: "Not Available"; PolyPhen-2: "Benign"; Align-GVGD: "Not Available". The proline amino acid residue is found in multiple mammalian species, which suggests that this missense change does not adversely affect protein function. This variant has not been reported in the literature in individuals affected with CDKN1B-related conditions.